The following is an entry in ClinVar:

NM_000203.5(IDUA):c.245A>C (p.His82Pro)

Genes: IDUA (alpha-L-iduronidase; plus strand), SLC26A1 (solute carrier family 26 member 1; minus strand). Cytogenetic location: 4p16.3.
Variant type: single nucleotide variant.
Coding change: c.245A>C on transcript NM_000203.5 (MANE Select); coding-DNA position 245, A replaced by C.
Protein change: p.His82Pro; replaces histidine 82 with proline.
Molecular consequence: missense variant. On other transcripts: 3 prime UTR variant (2), non-coding transcript variant (1), intron variant (1).
Genome position (GRCh38, 1-based): chr4:987,895, A>C. VCF-style: chr4-987895-A-C. GRCh37 (hg19) VCF-style: chr4-981683-A-C.
Other names: c.*938T>G (NM_022042.4, NM_213613.4); c.576+3233T>G (NM_134425.4); short protein forms H82P.
Identifiers: ClinVar variation 195039 (VCV000195039.30), dbSNP rs794727239, ClinGen allele CA201510.

ClinVar aggregate classification (germline): Conflicting classifications of pathogenicity. Review status: criteria provided, conflicting classifications (1 of 4 stars). 7 submissions from 7 submitters: Likely pathogenic (1); Uncertain significance (2); Benign (1); Likely benign (1). 2 of the submissions do not count toward it. Last evaluated 2026-09-21.

Conditions:
Mucopolysaccharidosis type 1. Also called: IDUA deficiency; MPS I; Mucopolysaccharidosis Type I. Identifiers: Orphanet 579, MedGen C0023786, MONDO:0001586.
Hurler syndrome. Also called: MUCOPOLYSACCHARIDOSIS TYPE IH; Severe MPS I (Hurler Syndrome); Gargoylism, Hurler Syndrome. Identifiers: Orphanet 93473, MedGen C0086795, MONDO:0011758, OMIM 607014.

Allele frequency attached by ClinVar (database versions not stated): gnomAD 0.00001; TOPMed 0.00002; gnomAD exomes below 0.00001.
gnomAD v4.1: 2 of 1,609,272 alleles (0.00012%); highest among the groups gnomAD compares: Non-Finnish European, 0.00017%; no homozygotes.

Submissions (7):

GeneDx
Classification: Likely pathogenic. Last evaluated: 2026-09-21. Review status: criteria provided, single submitter. Criteria: GeneDx Variant Classification Process June 2021. Collection method: clinical testing. Allele origin: germline.
Comment: Not observed at significant frequency in large population cohorts (gnomAD); In silico analysis supports that this missense variant has a deleterious effect on protein structure/function; This variant is associated with the following publications: (PMID: 15862278, 12203999, 18340403, 24480078, 28676128, 8401515)

Revvity Omics, Revvity
Classification: Uncertain significance. Last evaluated: 2025-06-27. Review status: criteria provided, single submitter. Criteria: ACMG Guidelines, 2015. Collection method: clinical testing. Allele origin: germline.

Labcorp Genetics (formerly Invitae), Labcorp
Classification: Uncertain significance for Mucopolysaccharidosis type 1. Last evaluated: 2025-04-14. Review status: criteria provided, single submitter. Criteria: Invitae Variant Classification Sherloc (09022015). Collection method: clinical testing. Allele origin: germline.
Comment: This sequence change replaces histidine, which is basic and polar, with proline, which is neutral and non-polar, at codon 82 of the IDUA protein (p.His82Pro). This variant is present in population databases (rs794727239, gnomAD 0.002%). This missense change has been observed in individual(s) with MPS I (PMID: 8401515). ClinVar contains an entry for this variant (Variation ID: 195039). Invitae Evidence Modeling of protein sequence and biophysical properties (such as structural, functional, and spatial information, amino acid conservation, physicochemical variation, residue mobility, and thermodynamic stability) indicates that this missense variant is expected to disrupt IDUA protein function with a positive predictive value of 95%. In summary, the available evidence is currently insufficient to determine the role of this variant in disease. Therefore, it has been classified as a Variant of Uncertain Significance.

Mendelics
Classification: Benign for Hurler syndrome. Last evaluated: 2019-05-28. Review status: criteria provided, single submitter. Criteria: Mendelics Assertion Criteria 2017. Collection method: clinical testing. Allele origin: unknown.

Eurofins Ntd Llc (ga)
Classification: Likely benign. Last evaluated: 2014-06-19. Review status: criteria provided, single submitter. Criteria: EGL Classification Definitions 2015. Collection method: clinical testing. Allele origin: germline. Observed: 6 variant alleles, 5 heterozygotes, 1 homozygote.

Natera, Inc.
Classification: Uncertain significance for Mucopolysaccharidosis type I. Last evaluated: 2020-06-10. Review status: no assertion criteria provided. Collection method: clinical testing. Allele origin: germline. Not counted in ClinVar's aggregate classification.

Counsyl
Classification: Uncertain significance for Hurler syndrome. Last evaluated: 2017-01-06. Review status: no assertion criteria provided. Collection method: clinical testing. Allele origin: unknown. Not counted in ClinVar's aggregate classification.

Literature cited by the submitters: PubMed 8401515 (cited by Labcorp Genetics (formerly Invitae), Labcorp and Counsyl); PubMed 12203999 (cited by Counsyl).